The following is an entry in ClinVar:

NM_006031.6(PCNT):c.6651G>T (p.Gly2217=)

Gene: PCNT (pericentrin; plus strand). Cytogenetic location: 21q22.3.
Variant type: single nucleotide variant.
Coding change: c.6651G>T on transcript NM_006031.6 (MANE Select); coding-DNA position 6651, G replaced by T.
Protein change: p.Gly2217=; no amino-acid change (glycine 2217 retained).
Molecular consequence: synonymous variant.
Genome position (GRCh38, 1-based): chr21:46,416,569, G>T. VCF-style: chr21-46416569-G-T. GRCh37 (hg19) VCF-style: chr21-47836483-G-T.
Other names: c.6297G>T, p.Gly2099= (NM_001315529.2).
Identifiers: ClinVar variation 211873 (VCV000211873.12), dbSNP rs755119869, ClinGen allele CA208655.

ClinVar aggregate classification (germline): Conflicting classifications of pathogenicity. Review status: criteria provided, conflicting classifications (1 of 4 stars). 3 submissions from 3 submitters: Uncertain significance (1); Likely benign (2). Last evaluated 2025-12-26.

Conditions:
PCNT-related disorder. Also called: PCNT-related condition.

Allele frequency attached by ClinVar (database versions not stated): gnomAD 0.00006; TOPMed 0.00006.
gnomAD v4.1: 14 of 1,611,372 alleles (0.00087%); highest among the groups gnomAD compares: African/African-American, 0.019%; no homozygotes.

Submissions (3):

Labcorp Genetics (formerly Invitae), Labcorp
Classification: Likely benign. Last evaluated: 2025-12-26. Review status: criteria provided, single submitter. Criteria: Invitae Variant Classification Sherloc (09022015). Collection method: clinical testing. Allele origin: germline.

PreventionGenetics, part of Exact Sciences
Classification: Likely benign for PCNT-related condition. Last evaluated: 2025-08-25. Review status: criteria provided, single submitter. Criteria: ACMG Guidelines, 2015. Collection method: clinical testing. Allele origin: germline.
Comment: This variant is classified as likely benign based on ACMG/AMP sequence variant interpretation guidelines (Richards et al. 2015 PMID: 25741868, with internal and published modifications).

Genetic Services Laboratory, University of Chicago
Classification: Uncertain significance. Last evaluated: 2015-01-21. Review status: criteria provided, single submitter. Criteria: ACMG Guidelines, 2015. Collection method: clinical testing. Allele origin: germline.